The following is an entry in ClinVar:

NM_004285.4(H6PD):c.787G>A (p.Val263Ile)

Gene: H6PD (hexose-6-phosphate dehydrogenase/glucose 1-dehydrogenase; plus strand). Cytogenetic location: 1p36.22.
Variant type: single nucleotide variant.
Coding change: c.787G>A on transcript NM_004285.4 (MANE Select); coding-DNA position 787, G replaced by A.
Protein change: p.Val263Ile; replaces valine 263 with isoleucine.
Molecular consequence: missense variant.
Genome position (GRCh38, 1-based): chr1:9,262,100, G>A. VCF-style: chr1-9262100-G-A. GRCh37 (hg19) VCF-style: chr1-9322159-G-A.
Other names: c.820G>A, p.Val274Ile (NM_001282587.2); short protein forms V263I, V274I.
Identifiers: ClinVar variation 2516394 (VCV002516394.3), dbSNP rs767129218, ClinGen allele CA575089.

ClinVar aggregate classification (germline): Uncertain significance. Review status: criteria provided, multiple submitters, no conflicts (2 of 4 stars). 2 submissions from 2 submitters: Uncertain significance (2). Last evaluated 2025-09-09.

Conditions:
Inborn genetic diseases. Identifiers: MedGen C0950123, MeSH D030342.

Allele frequency attached by ClinVar (database versions not stated): ExAC 0.00001; TOPMed 0.00003; gnomAD 0.00007; gnomAD exomes 0.00008.

Submissions (2):

Labcorp Genetics (formerly Invitae), Labcorp
Classification: Uncertain significance. Last evaluated: 2025-09-09. Review status: criteria provided, single submitter. Criteria: Invitae Variant Classification Sherloc (09022015). Collection method: clinical testing. Allele origin: germline.
Comment: This sequence change replaces valine, which is neutral and non-polar, with isoleucine, which is neutral and non-polar, at codon 263 of the H6PD protein (p.Val263Ile). This variant is present in population databases (rs767129218, gnomAD 0.01%). This variant has not been reported in the literature in individuals affected with H6PD-related conditions. ClinVar contains an entry for this variant (Variation ID: 2516394). Invitae Evidence Modeling of protein sequence and biophysical properties (such as structural, functional, and spatial information, amino acid conservation, physicochemical variation, residue mobility, and thermodynamic stability) indicates that this missense variant is not expected to disrupt H6PD protein function with a negative predictive value of 80%. In summary, the available evidence is currently insufficient to determine the role of this variant in disease. Therefore, it has been classified as a Variant of Uncertain Significance.

Ambry Genetics
Classification: Uncertain significance for Inborn genetic diseases. Last evaluated: 2023-05-30. Review status: criteria provided, single submitter. Criteria: Ambry Variant Classification Scheme 2023. Collection method: clinical testing. Allele origin: germline.